The following is an entry in ClinVar:

ClinVar aggregate classification (germline): Uncertain significance (1 of 4 stars; one submission).

Submission:

Labcorp Genetics (formerly Invitae), Labcorp
Classification: Uncertain significance. Last evaluated: 2025-07-21. Review status: criteria provided, single submitter. Criteria: Invitae Variant Classification Sherloc (09022015). Collection method: clinical testing. Allele origin: germline.
Comment: This sequence change replaces glutamic acid, which is acidic and polar, with lysine, which is basic and polar, at codon 855 of the AP3D1 protein (p.Glu855Lys). The frequency data for this variant in the population databases is considered unreliable, as metrics indicate poor data quality at this position in the gnomAD database. This variant has not been reported in the literature in individuals affected with AP3D1-related conditions. An algorithm developed to predict the effect of missense changes on protein structure and function (PolyPhen-2) suggests that this variant is likely to be tolerated. In summary, the available evidence is currently insufficient to determine the role of this variant in disease. Therefore, it has been classified as a Variant of Uncertain Significance.

NM_001261826.3(AP3D1):c.2563G>A (p.Glu855Lys)

Gene: AP3D1 (adaptor related protein complex 3 subunit delta 1; minus strand). Cytogenetic location: 19p13.3.
Variant type: single nucleotide variant.
Coding change: c.2563G>A on transcript NM_001261826.3 (MANE Select); coding-DNA position 2563, G replaced by A.
Protein change: p.Glu855Lys; replaces glutamic acid 855 with lysine.
Molecular consequence: missense variant.
Genome position (GRCh38, 1-based): chr19:2,114,163, C>T on the plus strand (G>A on the coding strand, the complement: AP3D1 is on the minus strand). VCF-style: chr19-2114163-C-T. GRCh37 (hg19) VCF-style: chr19-2114162-C-T.
Other names: c.2563G>A, p.Glu855Lys (NM_001374799.1, NM_003938.8); short protein forms E855K.
Identifiers: ClinVar variation 4740190 (VCV004740190.1).